The following is an entry in ClinVar:

ClinVar aggregate classification (germline): Uncertain significance (1 of 4 stars; one submission).

gnomAD v4.1: 5 of 1,614,082 alleles (0.00031%); highest among the groups gnomAD compares: African/African-American, 0.004%; no homozygotes.

Submission:

Labcorp Genetics (formerly Invitae), Labcorp
Classification: Uncertain significance. Last evaluated: 2022-07-30. Review status: criteria provided, single submitter. Criteria: Invitae Variant Classification Sherloc (09022015). Collection method: clinical testing. Allele origin: germline.
Comment: This sequence change replaces glutamine, which is neutral and polar, with lysine, which is basic and polar, at codon 518 of the PCNT protein (p.Gln518Lys). This variant is present in population databases (no rsID available, gnomAD 0.0009%). This variant has not been reported in the literature in individuals affected with PCNT-related conditions. Algorithms developed to predict the effect of missense changes on protein structure and function (SIFT, PolyPhen-2, Align-GVGD) all suggest that this variant is likely to be tolerated. In summary, the available evidence is currently insufficient to determine the role of this variant in disease. Therefore, it has been classified as a Variant of Uncertain Significance.

NM_006031.6(PCNT):c.1552C>A (p.Gln518Lys)

Gene: PCNT (pericentrin; plus strand). Cytogenetic location: 21q22.3.
Variant type: single nucleotide variant.
Coding change: c.1552C>A on transcript NM_006031.6 (MANE Select); coding-DNA position 1552, C replaced by A.
Protein change: p.Gln518Lys; replaces glutamine 518 with lysine.
Molecular consequence: missense variant.
Genome position (GRCh38, 1-based): chr21:46,353,199, C>A. VCF-style: chr21-46353199-C-A. GRCh37 (hg19) VCF-style: chr21-47773113-C-A.
Other names: c.1198C>A, p.Gln400Lys (NM_001315529.2); short protein forms Q518K, Q400K.
Identifiers: ClinVar variation 1944115 (VCV001944115.2), dbSNP rs1017321130, ClinGen allele CA321995950.